The following is an entry in ClinVar:

NM_016169.4(SUFU):c.1088C>T (p.Thr363Met)

Gene: SUFU (SUFU negative regulator of hedgehog signaling; plus strand). Cytogenetic location: 10q24.32.
Variant type: single nucleotide variant.
Coding change: c.1088C>T on transcript NM_016169.4 (MANE Select); coding-DNA position 1088, C replaced by T.
Protein change: p.Thr363Met; replaces threonine 363 with methionine.
Molecular consequence: missense variant.
Genome position (GRCh38, 1-based): chr10:102,615,333, C>T. VCF-style: chr10-102615333-C-T. GRCh37 (hg19) VCF-style: chr10-104375090-C-T.
Other names: c.1088C>T, p.Thr363Met (NM_001178133.2); short protein forms T363M.
Identifiers: ClinVar variation 524658 (VCV000524658.12), dbSNP rs1554854578, ClinGen allele CA377914103.

ClinVar aggregate classification (germline): Uncertain significance. Review status: criteria provided, multiple submitters, no conflicts (2 of 4 stars). 2 submissions from 2 submitters: Uncertain significance (2). Last evaluated 2025-08-29.

Conditions:
Hereditary cancer-predisposing syndrome. Also called: Neoplastic Syndromes, Hereditary; Tumor predisposition; Hereditary neoplastic syndrome; Hereditary Cancer Syndrome. Identifiers: Orphanet 140162, MedGen C0027672, MeSH D009386, MONDO:0015356.
Gorlin syndrome. Also called: Basal cell nevus syndrome; Nevoid Basal Cell Carcinoma Syndrome. Identifiers: Orphanet 377, MedGen C0004779, MONDO:0007187.
Medulloblastoma (MDB). Also called: Medulloblastoma, somatic; MEDULLOBLASTOMA PREDISPOSITION SYNDROME. Identifiers: Orphanet 616, MedGen C0025149, MeSH D008527, MONDO:0007959, OMIM 155255, HP:0002885.

Allele frequency attached by ClinVar (database versions not stated): TOPMed below 0.00001; gnomAD 0.00001.
gnomAD v4.1: 8 of 1,614,032 alleles (0.0005%); highest among the groups gnomAD compares: Non-Finnish European, 0.00068%; no homozygotes.

Submissions (2):

Labcorp Genetics (formerly Invitae), Labcorp
Classification: Uncertain significance for Gorlin syndrome; Medulloblastoma. Last evaluated: 2025-08-29. Review status: criteria provided, single submitter. Criteria: Invitae Variant Classification Sherloc (09022015). Collection method: clinical testing. Allele origin: germline.
Comment: This sequence change replaces threonine, which is neutral and polar, with methionine, which is neutral and non-polar, at codon 363 of the SUFU protein (p.Thr363Met). This variant is not present in population databases (gnomAD no frequency). This variant has not been reported in the literature in individuals affected with SUFU-related conditions. ClinVar contains an entry for this variant (Variation ID: 524658). Invitae Evidence Modeling of protein sequence and biophysical properties (such as structural, functional, and spatial information, amino acid conservation, physicochemical variation, residue mobility, and thermodynamic stability) indicates that this missense variant is not expected to disrupt SUFU protein function with a negative predictive value of 80%. In summary, the available evidence is currently insufficient to determine the role of this variant in disease. Therefore, it has been classified as a Variant of Uncertain Significance.

Ambry Genetics
Classification: Uncertain significance for Hereditary cancer-predisposing syndrome. Last evaluated: 2024-09-27. Review status: criteria provided, single submitter. Criteria: Ambry Variant Classification Scheme 2023. Collection method: clinical testing. Allele origin: germline.
Comment: The p.T363M variant (also known as c.1088C>T), located in coding exon 9 of the SUFU gene, results from a C to T substitution at nucleotide position 1088. The threonine at codon 363 is replaced by methionine, an amino acid with similar properties. This amino acid position is conserved. In addition, the in silico prediction for this alteration is inconclusive. Since supporting evidence is limited at this time, the clinical significance of this alteration remains unclear.